The following is an entry in ClinVar:

NM_058216.3(RAD51C):c.145+5C>T

Genes: RAD51C (RAD51 paralog C; plus strand), LOC130061310 (ATAC-STARR-seq lymphoblastoid active region 12491; plus strand). Cytogenetic location: 17q22.
Variant type: single nucleotide variant.
Coding change: c.145+5C>T on transcript NM_058216.3 (MANE Select); 5 bases into the intron after coding-DNA position 145, C replaced by T.
Molecular consequence: intron variant.
Genome position (GRCh38, 1-based): chr17:58,692,793, C>T. VCF-style: chr17-58692793-C-T. GRCh37 (hg19) VCF-style: chr17-56770154-C-T.
Other names: c.145+5C>T (NM_002876.4).
Identifiers: ClinVar variation 233690 (VCV000233690.18), dbSNP rs876660577, ClinGen allele CA10580724.

ClinVar aggregate classification (germline): Uncertain significance. Review status: criteria provided, multiple submitters, no conflicts (2 of 4 stars). 4 submissions from 4 submitters: Uncertain significance (4). Last evaluated 2026-06-04.

Conditions:
Hereditary cancer-predisposing syndrome. Also called: Tumor predisposition; Neoplastic Syndromes, Hereditary; Hereditary Cancer Syndrome; Hereditary neoplastic syndrome. Identifiers: Orphanet 140162, MedGen C0027672, MeSH D009386, MONDO:0015356.
Fanconi anemia complementation group O. Also called: RAD51C-Related Fanconi Anemia. Identifiers: Orphanet 84, MedGen C3150653, MONDO:0013248, OMIM 613390.

Allele frequency attached by ClinVar (database versions not stated): gnomAD exomes 0.00001.
gnomAD v4.1: 3 of 1,614,176 alleles (0.00019%); highest among the groups gnomAD compares: Admixed American, 0.005%; no homozygotes.

Submissions (4):

Women's Health and Genetics/Laboratory Corporation of America, LabCorp
Classification: Uncertain significance. Last evaluated: 2026-06-04. Review status: criteria provided, single submitter. Criteria: LabCorp Variant Classification Summary - May 2015. Collection method: clinical testing. Allele origin: germline.
Comment: Variant summary: RAD51C c.145+5C>T alters a nucleotide located close to a canonical splice site and therefore could affect mRNA splicing, leading to a significantly altered protein sequence. Consensus agreement among computation tools predict no significant impact on normal splicing. However, these predictions have yet to be confirmed by functional studies. The variant allele was found at a frequency of 8e-06 in 251236 control chromosomes. The available data on variant occurrences in the general population are insufficient to allow any conclusion about variant significance. c.145+5C>T has been observed in an individual affected with breast cancer (Tung_2015). This report does not provide unequivocal conclusions about association of the variant with disease. To our knowledge, no experimental evidence demonstrating an impact on protein function has been reported. The following publication has been ascertained in the context of this evaluation (PMID: 25186627). ClinVar contains an entry for this variant (Variation ID: 233690). Based on the evidence outlined above, the variant was classified as uncertain significance.

Labcorp Genetics (formerly Invitae), Labcorp
Classification: Uncertain significance for Fanconi anemia complementation group O. Last evaluated: 2025-08-09. Review status: criteria provided, single submitter. Criteria: Invitae Variant Classification Sherloc (09022015). Collection method: clinical testing. Allele origin: germline.
Comment: This sequence change falls in intron 1 of the RAD51C gene. It does not directly change the encoded amino acid sequence of the RAD51C protein. It affects a nucleotide within the consensus splice site. This variant is present in population databases (no rsID available, gnomAD 0.006%). This variant has not been reported in the literature in individuals affected with RAD51C-related conditions. ClinVar contains an entry for this variant (Variation ID: 233690). Variants that disrupt the consensus splice site are a relatively common cause of aberrant splicing (PMID: 17576681, 9536098). RNA analysis provides insufficient evidence to determine the effect of this variant on RAD51C splicing (internal data). In summary, the available evidence is currently insufficient to determine the role of this variant in disease. Therefore, it has been classified as a Variant of Uncertain Significance.

Ambry Genetics
Classification: Uncertain significance for Hereditary cancer-predisposing syndrome. Last evaluated: 2024-05-06. Review status: criteria provided, single submitter. Criteria: Ambry Variant Classification Scheme 2023. Collection method: clinical testing. Allele origin: germline.
Comment: The c.145+5C>T intronic variant results from a C to T substitution 5 nucleotides after coding exon 1 in the RAD51C gene. This nucleotide position is not well conserved in available vertebrate species. In silico splice site analysis predicts that this alteration will not have any significant effect on splicing. Based on the available evidence, the clinical significance of this variant remains unclear.

Color Diagnostics, LLC DBA Color Health
Classification: Uncertain significance for Hereditary cancer-predisposing syndrome. Last evaluated: 2022-05-09. Review status: criteria provided, single submitter. Criteria: ACMG Guidelines, 2015. Collection method: clinical testing. Allele origin: germline.
Comment: This variant causes a C to T nucleotide substitution at the +5 position of intron 1 of the RAD51C gene. To our knowledge, functional studies have not been reported for this variant. This variant has not been reported in individuals affected with hereditary cancer in the literature. This variant has been identified in 2/251236 chromosomes in the general population by the Genome Aggregation Database (gnomAD). The available evidence is insufficient to determine the role of this variant in disease conclusively. Therefore, this variant is classified as a Variant of Uncertain Significance.

Literature cited by the submitters: PubMed 25186627 (cited by Women's Health and Genetics/Laboratory Corporation of America, LabCorp); PubMed 17576681 (cited by Labcorp Genetics (formerly Invitae), Labcorp); PubMed 9536098 (cited by Labcorp Genetics (formerly Invitae), Labcorp).